The following is an entry in ClinVar:

NM_001958.5(EEF1A2):c.882G>A (p.Met294Ile)

Gene: EEF1A2 (eukaryotic translation elongation factor 1 alpha 2; minus strand). Cytogenetic location: 20q13.33.
Variant type: single nucleotide variant.
Coding change: c.882G>A on transcript NM_001958.5 (MANE Select); coding-DNA position 882, G replaced by A.
Protein change: p.Met294Ile; replaces methionine 294 with isoleucine.
Molecular consequence: missense variant.
Genome position (GRCh38, 1-based): chr20:63,490,626, C>T on the plus strand (G>A on the coding strand, the complement: EEF1A2 is on the minus strand). VCF-style: chr20-63490626-C-T. GRCh37 (hg19) VCF-style: chr20-62121979-C-T.
Other names: short protein forms M294I.
Identifiers: ClinVar variation 4883717 (VCV004883717.2).

ClinVar aggregate classification (germline): Uncertain significance (1 of 4 stars; one submission).

Submission:

Dasa
Classification: Uncertain significance. Last evaluated: 2026-02-09. Review status: criteria provided, single submitter. Criteria: DASA Assertion Criteria. Collection method: clinical testing. Allele origin: germline.
Comment: NM_001958.5(EEF1A2):c.882G>A (p.Met294Ile) is a missense variant that results in the substitution of methionine with isoleucine. This variant is rare in population databases. The currently available literature and clinical evidence are not sufficient to establish a definitive association between this variant and the reported condition. Therefore, this variant is classified as a variant of uncertain significance.